The following is an entry in ClinVar:

NM_201253.3(CRB1):c.3878G>A (p.Trp1293Ter)

Gene: CRB1 (crumbs cell polarity complex component 1; plus strand). Cytogenetic location: 1q31.3.
Variant type: single nucleotide variant.
Coding change: c.3878G>A on transcript NM_201253.3 (MANE Select); coding-DNA position 3878, G replaced by A.
Protein change: p.Trp1293Ter; replaces tryptophan 1293 with a stop codon.
Molecular consequence: nonsense. On other transcripts: non-coding transcript variant (2).
Genome position (GRCh38, 1-based): chr1:197,438,675, G>A. VCF-style: chr1-197438675-G-A. GRCh37 (hg19) VCF-style: chr1-197407805-G-A.
Other names: c.3542G>A, p.Trp1181Ter (NM_001193640.2); c.3806G>A, p.Trp1269Ter (NM_001257965.2); c.2270G>A, p.Trp757Ter (NM_001257966.2); short protein forms W1181*, W1293*, W757*, W1269*.
Identifiers: ClinVar variation 931560 (VCV000931560.11), dbSNP rs1665282478, ClinGen allele CA344051056.

ClinVar aggregate classification (germline): Pathogenic/Likely pathogenic. Review status: criteria provided, multiple submitters, no conflicts (2 of 4 stars). 6 submissions from 4 submitters: Pathogenic (5); Likely pathogenic (1). Last evaluated 2025-01-18.

Conditions:
Retinitis pigmentosa 12 (RP12). Also called: RP WITH OR WITHOUT PRESERVED PARAARTERIOLE RETINAL PIGMENT EPITHELIUM; RETINITIS PIGMENTOSA WITH OR WITHOUT PARAARTERIOLAR PRESERVATION OF RETINAL PIGMENT EPITHELIUM; RP WITH OR WITHOUT PPRPE. Identifiers: Orphanet 791, MedGen C1838647, MONDO:0010818, OMIM 600105.
Leber congenital amaurosis 8 (LCA8). Identifiers: Orphanet 65, MedGen C3151202, MONDO:0013453, OMIM 613835.
Pigmented paravenous retinochoroidal atrophy. Identifiers: Orphanet 251295, MedGen C1868310, MONDO:0008246, OMIM 172870.
Leber congenital amaurosis (LCA). Also called: Leber's amaurosis. Identifiers: Orphanet 65, MedGen C0339527, MeSH D057130, MONDO:0018998.

Allele frequency attached by ClinVar (database versions not stated): gnomAD exomes below 0.00001.
gnomAD v4.1: 1 of 1,611,784 alleles (0.000062%); highest among the groups gnomAD compares: Non-Finnish European, 0.000085%; no homozygotes.

Submissions (6):

Natera, Inc.
Classification: Pathogenic for Leber congenital amaurosis. Last evaluated: 2025-01-18. Review status: criteria provided, single submitter. Criteria: Natera Variant Classification Schema (03/2026). Collection method: clinical testing. Allele origin: germline.
Comment: The c.3878G>A variant in CRB1 is a nonsense variant predicted to introduce a stop codon at amino acid 1293. This variant is expected to result in nonsense mediated decay, truncation, or a dysfunctional protein product. This variant is rare in the general population with a frequency below the threshold expected for the associated phenotype(s). This variant has been observed in one or more individuals affected with the associated recessive disease, as either homozygous or compound heterozygous with a second variant (PMID: 34783605). Given the available evidence, this variant is classified as Pathogenic.

Genome-Nilou Lab
Classification: Pathogenic for Leber congenital amaurosis 8. Last evaluated: 2023-04-11. Review status: criteria provided, single submitter. Criteria: ACMG Guidelines, 2015. Collection method: clinical testing. Allele origin: germline. Affected: no.

Genome-Nilou Lab
Classification: Pathogenic for Pigmented paravenous retinochoroidal atrophy. Last evaluated: 2023-04-11. Review status: criteria provided, single submitter. Criteria: ACMG Guidelines, 2015. Collection method: clinical testing. Allele origin: germline. Affected: no.

Genome-Nilou Lab
Classification: Pathogenic for Retinitis pigmentosa 12. Last evaluated: 2023-04-11. Review status: criteria provided, single submitter. Criteria: ACMG Guidelines, 2015. Collection method: clinical testing. Allele origin: germline. Affected: no.

Labcorp Genetics (formerly Invitae), Labcorp
Classification: Pathogenic for Leber congenital amaurosis 8; Retinitis pigmentosa 12. Last evaluated: 2022-10-17. Review status: criteria provided, single submitter. Criteria: Invitae Variant Classification Sherloc (09022015). Collection method: clinical testing. Allele origin: germline.
Comment: This sequence change creates a premature translational stop signal (p.Trp1293*) in the CRB1 gene. It is expected to result in an absent or disrupted protein product. Loss-of-function variants in CRB1 are known to be pathogenic (PMID: 10508521, 22065545, 23379534, 25412400, 26957898, 28041643, 29391521). This variant is not present in population databases (gnomAD no frequency). This variant has not been reported in the literature in individuals affected with CRB1-related conditions. ClinVar contains an entry for this variant (Variation ID: 931560). Algorithms developed to predict the effect of sequence changes on RNA splicing suggest that this variant may disrupt the consensus splice site. For these reasons, this variant has been classified as Pathogenic.

Centre for Mendelian Genomics, University Medical Centre Ljubljana
Classification: Likely pathogenic for Pigmented paravenous retinochoroidal atrophy. Last evaluated: 2019-04-28. Review status: criteria provided, single submitter. Criteria: ACMG Guidelines, 2015. Collection method: clinical testing. Allele origin: unknown. Affected: yes.
Comment: This variant was classified as: Likely pathogenic. The following ACMG criteria were applied in classifying this variant: PVS1,PM2.

Literature cited by the submitters: PubMed 34783605 (cited by Natera, Inc.); PubMed 10508521 (cited by Labcorp Genetics (formerly Invitae), Labcorp); PubMed 22065545 (cited by Labcorp Genetics (formerly Invitae), Labcorp); PubMed 23379534 (cited by Labcorp Genetics (formerly Invitae), Labcorp); PubMed 25412400 (cited by Labcorp Genetics (formerly Invitae), Labcorp); PubMed 26957898 (cited by Labcorp Genetics (formerly Invitae), Labcorp); PubMed 28041643 (cited by Labcorp Genetics (formerly Invitae), Labcorp); PubMed 29391521 (cited by Labcorp Genetics (formerly Invitae), Labcorp).